The following is an entry in ClinVar:

NM_002471.4(MYH6):c.4026C>T (p.Cys1342=)

Gene: MYH6 (myosin heavy chain 6; minus strand). Cytogenetic location: 14q11.2.
Variant type: single nucleotide variant.
Coding change: c.4026C>T on transcript NM_002471.4 (MANE Select); coding-DNA position 4026, C replaced by T.
Protein change: p.Cys1342=; no amino-acid change (cysteine 1342 retained).
Molecular consequence: synonymous variant.
Genome position (GRCh38, 1-based): chr14:23,389,008, G>A on the plus strand (C>T on the coding strand, the complement: MYH6 is on the minus strand). VCF-style: chr14-23389008-G-A. GRCh37 (hg19) VCF-style: chr14-23858217-G-A.
Identifiers: ClinVar variation 263527 (VCV000263527.47), dbSNP rs141062252, ClinGen allele CA7114950.
Genomic context (GRCh38, chr14:23,389,008, plus strand): 5'-GACGCGCTGCAGCTCGGCCTTGGCCTCTGTCTCCTCCTCGTACTGCTCCCGCAGCAGGTC[G>A]CAGTCATGCCGGGCCGACTGCAGTGCATGGGCCAGGGCGTTCTTCGCCTGGGGAGGGGGG-3'
Protein context (NP_002462.2, residues 1332-1352): AHALQSARHD[Cys1342=]DLLREQYEEE

ClinVar aggregate classification (germline): Likely benign. Review status: criteria provided, multiple submitters, no conflicts (2 of 4 stars). 10 submissions from 10 submitters: Likely benign (6). 4 of the submissions do not count toward it. Last evaluated 2026-01-06.

Conditions:
MYH6-related disorder. Also called: MYH6-Related Disorders; MYH6-related condition.
Cardiovascular phenotype. Identifiers: MedGen CN230736.
Hypertrophic cardiomyopathy 14. Identifiers: MedGen C2750467, MONDO:0013197, OMIM 613251.

Allele frequency attached by ClinVar (database versions not stated): TOPMed 0.00010; ESP Exome Variant Server 0.00015; 1000 Genomes Project 30x 0.00016; 1000 Genomes Project 0.00020.
gnomAD v4.1: 225 of 1,613,212 alleles (0.014%); highest among the groups gnomAD compares: Non-Finnish European, 0.017%; 1 homozygote.

Submissions (10):

Labcorp Genetics (formerly Invitae), Labcorp
Classification: Likely benign for Hypertrophic cardiomyopathy 14. Last evaluated: 2026-01-06. Review status: criteria provided, single submitter. Criteria: Invitae Variant Classification Sherloc (09022015). Collection method: clinical testing. Allele origin: germline.

PreventionGenetics, part of Exact Sciences
Classification: Likely benign for MYH6-related condition. Last evaluated: 2025-03-25. Review status: criteria provided, single submitter. Criteria: ACMG Guidelines, 2015. Collection method: clinical testing. Allele origin: germline.
Comment: This variant is classified as likely benign based on ACMG/AMP sequence variant interpretation guidelines (Richards et al. 2015 PMID: 25741868, with internal and published modifications).

CeGaT Center for Human Genetics Tuebingen
Classification: Likely benign. Last evaluated: 2024-07-01. Review status: criteria provided, single submitter. Criteria: CeGaT Center For Human Genetics Tuebingen Variant Classification Criteria Version 2. Collection method: clinical testing. Allele origin: germline. Affected: yes. Observed: 1 variant allele.
Comment: MYH6: BP4, BP7

Laboratory for Molecular Medicine, Mass General Brigham Personalized Medicine
Classification: Likely benign. Last evaluated: 2020-08-18. Review status: criteria provided, single submitter. Criteria: LMM Criteria. Collection method: clinical testing. Allele origin: germline. Observed: 1 variant allele.
Comment: The p.Cys1342Cys variant in MYH6 is classified as likely benign because it does not alter an amino acid residue, it is not located within the splice consensus sequence, and splice prediction algorithms do not predict a newly created splice site. It has been identified in 0.01% (19/128430) of European chromosomes by gnomAD. ACMG/AMP Criteria applied: BP4, BP7.

GeneDx
Classification: Likely benign. Last evaluated: 2018-04-09. Review status: criteria provided, single submitter. Criteria: GeneDx Variant Classification (06012015). Collection method: clinical testing. Allele origin: germline. Affected: yes.
Comment: This variant is considered likely benign or benign based on one or more of the following criteria: it is a conservative change, it occurs at a poorly conserved position in the protein, it is predicted to be benign by multiple in silico algorithms, and/or has population frequency not consistent with disease.

Ambry Genetics
Classification: Likely benign for Cardiovascular phenotype. Last evaluated: 2016-07-20. Review status: criteria provided, single submitter. Criteria: Ambry Variant Classification Scheme 2023. Collection method: clinical testing. Allele origin: germline.

Clinical Genetics DNA and cytogenetics Diagnostics Lab, Erasmus MC, Erasmus Medical Center
Classification: Likely benign. Review status: no assertion criteria provided. Collection method: clinical testing. Allele origin: germline. Affected: yes. Study: VKGL Data-share Consensus. Not counted in ClinVar's aggregate classification.

Clinical Genetics, Academic Medical Center
Classification: Benign. Review status: no assertion criteria provided. Collection method: clinical testing. Allele origin: germline. Affected: yes. Study: VKGL Data-share Consensus. Not counted in ClinVar's aggregate classification.

Diagnostic Laboratory, Department of Genetics, University Medical Center Groningen
Classification: Likely benign. Review status: no assertion criteria provided. Collection method: clinical testing. Allele origin: germline. Affected: yes. Study: VKGL Data-share Consensus. Not counted in ClinVar's aggregate classification.

Joint Genome Diagnostic Labs from Nijmegen and Maastricht, Radboudumc and MUMC+
Classification: Likely benign. Review status: no assertion criteria provided. Collection method: clinical testing. Allele origin: germline. Affected: yes. Study: VKGL Data-share Consensus. Not counted in ClinVar's aggregate classification.